The following is an entry in ClinVar:

NM_018249.6(CDK5RAP2):c.1000-236G>C

Gene: CDK5RAP2 (CDK5 regulatory subunit associated protein 2; minus strand). Cytogenetic location: 9q33.2.
Variant type: single nucleotide variant.
Coding change: c.1000-236G>C on transcript NM_018249.6 (MANE Select); 236 bases into the intron before coding-DNA position 1000, G replaced by C.
Molecular consequence: intron variant.
Genome position (GRCh38, 1-based): chr9:120,525,314, C>G on the plus strand (G>C on the coding strand, the complement: CDK5RAP2 is on the minus strand). VCF-style: chr9-120525314-C-G. GRCh37 (hg19) VCF-style: chr9-123287592-C-G.
Other names: c.1000-236G>C (NM_001272039.2, NM_001011649.3).
Identifiers: ClinVar variation 678304 (VCV000678304.2), dbSNP rs12683306, ClinGen allele CA13019591.

ClinVar aggregate classification (germline): Benign. Review status: criteria provided, multiple submitters, no conflicts (2 of 4 stars). 2 submissions from 2 submitters: Benign (2). Last evaluated 2018-06-16.

Allele frequency attached by ClinVar (database versions not stated): TOPMed 0.83298; gnomAD 0.84839; 1000 Genomes Project 30x 0.80418; 1000 Genomes Project 0.80212.
gnomAD v4.1: 128,563 of 152,220 alleles (84%); highest among the groups gnomAD compares: Non-Finnish European, 93%; 55,259 homozygotes.

Submissions (2):

GeneDx
Classification: Benign. Last evaluated: 2018-06-16. Review status: criteria provided, single submitter. Criteria: GeneDx Variant Classification (06012015). Collection method: clinical testing. Allele origin: germline. Affected: yes.
Comment: This variant is considered likely benign or benign based on one or more of the following criteria: it is a conservative change, it occurs at a poorly conserved position in the protein, it is predicted to be benign by multiple in silico algorithms, and/or has population frequency not consistent with disease.

Breakthrough Genomics
Classification: Benign. Review status: criteria provided, single submitter. Criteria: ACMG Guidelines, 2015. Collection method: not provided. Allele origin: germline. Inheritance: Autosomal recessive inheritance. Affected: yes.